The following is an entry in ClinVar:

NM_006231.4(POLE):c.1819C>T (p.Leu607Phe)

Gene: POLE (DNA polymerase epsilon, catalytic subunit; minus strand). Cytogenetic location: 12q24.33.
Variant type: single nucleotide variant.
Coding change: c.1819C>T on transcript NM_006231.4 (MANE Select); coding-DNA position 1819, C replaced by T.
Protein change: p.Leu607Phe; replaces leucine 607 with phenylalanine.
Molecular consequence: missense variant.
Genome position (GRCh38, 1-based): chr12:132,668,915, G>A on the plus strand (C>T on the coding strand, the complement: POLE is on the minus strand). VCF-style: chr12-132668915-G-A. GRCh37 (hg19) VCF-style: chr12-133245501-G-A.
Other names: short protein forms L607F.
Identifiers: ClinVar variation 2155839 (VCV002155839.4), dbSNP rs2542105252, ClinGen allele CA387355590.
Genomic context (GRCh38, chr12:132,668,915, plus strand): 5'-CGTCCAGGTGGTAGATGAGTGGACACTCGATGCGGCTGGGAACGTCCTTCAGGGAGGCAA[G>A]CTTGCTCTTAATCTCATCACACACCTGCAGAGAAAGCGAAACTCAGTAGAGGCTGGTGAC-3'
Protein context (NP_006222.2, residues 597-617): EEVCDEIKSK[Leu607Phe]ASLKDVPSRI

ClinVar aggregate classification (germline): Uncertain significance (1 of 4 stars; one submission).

Submission:

Labcorp Genetics (formerly Invitae), Labcorp
Classification: Uncertain significance. Last evaluated: 2022-07-10. Review status: criteria provided, single submitter. Criteria: Invitae Variant Classification Sherloc (09022015). Collection method: clinical testing. Allele origin: germline.
Comment: This sequence change replaces leucine, which is neutral and non-polar, with phenylalanine, which is neutral and non-polar, at codon 607 of the POLE protein (p.Leu607Phe). This variant is not present in population databases (gnomAD no frequency). This variant has not been reported in the literature in individuals affected with POLE-related conditions. Algorithms developed to predict the effect of missense changes on protein structure and function are either unavailable or do not agree on the potential impact of this missense change (SIFT: "Tolerated"; PolyPhen-2: "Possibly Damaging"; Align-GVGD: "Class C0"). In summary, the available evidence is currently insufficient to determine the role of this variant in disease. Therefore, it has been classified as a Variant of Uncertain Significance.